The following is an entry in ClinVar:

NM_002206.3(ITGA7):c.3184-12G>C

Gene: ITGA7 (integrin subunit alpha 7; minus strand). Cytogenetic location: 12q13.2.
Variant type: single nucleotide variant.
Coding change: c.3184-12G>C on transcript NM_002206.3 (MANE Select); 12 bases into the intron before coding-DNA position 3184, G replaced by C.
Molecular consequence: intron variant.
Genome position (GRCh38, 1-based): chr12:55,685,300, C>G on the plus strand (G>C on the coding strand, the complement: ITGA7 is on the minus strand). VCF-style: chr12-55685300-C-G. GRCh37 (hg19) VCF-style: chr12-56079084-C-G.
Other names: c.2905-12G>C (NM_001144997.2); c.2857-12G>C (NM_001367993.1); c.2845-12G>C (NM_001414035.1); c.3001-12G>C (NM_001414033.1); c.1840-12G>C (NM_001367994.1); c.3064-12G>C (NM_001414032.1); c.3097-12G>C (NM_001414031.1); c.3166-12G>C (NM_001374465.1); and 5 more.
Identifiers: ClinVar variation 94043 (VCV000094043.17), dbSNP rs3852533, ClinGen allele CA147564.
Genomic context (GRCh38, chr12:55,685,300, plus strand): 5'-ACTGGGGCACGGTGGCCTCGGGGTGCTTCGCCCGTTTGAAGAATCCCATCTATAAGGACA[C>G]CAGGCCAGACCATGAGGAGCCTGAAGAGCTGCGGTCCCTGGAGCAGATGCCTAGCGCGGC-3'

ClinVar aggregate classification (germline): Benign. Review status: criteria provided, multiple submitters, no conflicts (2 of 4 stars). 6 submissions from 6 submitters: Benign (6). Last evaluated 2026-02-04.

Conditions:
Congenital muscular dystrophy due to integrin alpha-7 deficiency. Also called: Congenital muscular dystrophy with integrin alpha-7 deficiency; MYOPATHY, CONGENITAL, DUE TO INTEGRIN ALPHA-7 DEFICIENCY; Muscular dystrophy, congenital, due to ITGA7 deficiency. Identifiers: Orphanet 34520, MedGen C2750786, MONDO:0013177, OMIM 613204.

Allele frequency attached by ClinVar (database versions not stated): ESP Exome Variant Server 0.43941; TOPMed 0.47429; gnomAD exomes 0.52794 and 0.59093; 1000 Genomes Project 30x 0.58167; gnomAD 0.47439 and 0.49036; ExAC 0.58406; 1000 Genomes Project 0.59465.
gnomAD v4.1: 845,679 of 1,612,502 alleles (52%); highest among the groups gnomAD compares: East Asian, 93%; 231,849 homozygotes.

Submissions (6):

Labcorp Genetics (formerly Invitae), Labcorp
Classification: Benign for Congenital muscular dystrophy due to integrin alpha-7 deficiency. Last evaluated: 2026-02-04. Review status: criteria provided, single submitter. Criteria: Invitae Variant Classification Sherloc (09022015). Collection method: clinical testing. Allele origin: germline.

Genome-Nilou Lab
Classification: Benign for Congenital muscular dystrophy due to integrin alpha-7 deficiency. Last evaluated: 2021-08-19. Review status: criteria provided, single submitter. Criteria: ACMG Guidelines, 2015. Collection method: clinical testing. Allele origin: germline. Affected: no.

GeneDx
Classification: Benign. Last evaluated: 2016-01-22. Review status: criteria provided, single submitter. Criteria: GeneDx Variant Classification (06012015). Collection method: clinical testing. Allele origin: germline. Affected: yes.
Comment: This variant is considered likely benign or benign based on one or more of the following criteria: it is a conservative change, it occurs at a poorly conserved position in the protein, it is predicted to be benign by multiple in silico algorithms, and/or has population frequency not consistent with disease.

Eurofins Ntd Llc (ga)
Classification: Benign. Last evaluated: 2012-07-18. Review status: criteria provided, single submitter. Criteria: EGL Classification Definitions 2015. Collection method: clinical testing. Allele origin: germline. Observed: 34 variant alleles, 19 heterozygotes, 15 homozygotes.

Breakthrough Genomics
Classification: Benign. Review status: criteria provided, single submitter. Criteria: ACMG Guidelines, 2015. Collection method: not provided. Allele origin: germline. Inheritance: Autosomal recessive inheritance. Affected: yes.

PreventionGenetics, part of Exact Sciences
Classification: Benign. Review status: criteria provided, single submitter. Criteria: ACMG Guidelines, 2015. Collection method: clinical testing. Allele origin: germline.